The following is an entry in ClinVar:

NM_020800.3(IFT80):c.807T>C (p.Thr269=)

Genes: IFT80 (intraflagellar transport 80; minus strand), TRIM59-IFT80 (TRIM59-IFT80 readthrough (NMD candidate); minus strand). Cytogenetic location: 3q25.33.
Variant type: single nucleotide variant.
Coding change: c.807T>C on transcript NM_020800.3 (MANE Select); coding-DNA position 807, T replaced by C.
Protein change: p.Thr269=; no amino-acid change (threonine 269 retained).
Molecular consequence: synonymous variant. On other transcripts: non-coding transcript variant (3).
Genome position (GRCh38, 1-based): chr3:160,319,910, A>G on the plus strand (T>C on the coding strand, the complement: IFT80 is on the minus strand). VCF-style: chr3-160319910-A-G. GRCh37 (hg19) VCF-style: chr3-160037698-A-G.
Other names: c.396T>C, p.Thr132= (NM_001190241.2, NM_001190242.2).
Identifiers: ClinVar variation 343975 (VCV000343975.20), dbSNP rs372419950, ClinGen allele CA2685339.

ClinVar aggregate classification (germline): Conflicting classifications of pathogenicity. Review status: criteria provided, conflicting classifications (1 of 4 stars). 4 submissions from 4 submitters: Uncertain significance (2); Likely benign (1). 1 of the submissions does not count toward it. Last evaluated 2026-01-26.

Conditions:
Connective tissue disorder. Also called: Connective tissue disease. Identifiers: MedGen C0009782, MONDO:0003900.
Jeune thoracic dystrophy. Also called: Jeune syndrome; Infantile thoracic dystrophy; Thoracic pelvic phalangeal dystrophy; Jeune's syndrome; Chondroectodermal dysplasia-like syndrome; Short-rib thoracic dysplasia. Identifiers: Orphanet 474, MedGen C0265275, MONDO:0018770.
Asphyxiating thoracic dystrophy 2 (SRTD2). Also called: SHORT-RIB THORACIC DYSPLASIA 2 WITH OR WITHOUT POLYDACTYLY; SHORT-RIB THORACIC DYSPLASIA 2 WITH POLYDACTYLY; SHORT-RIB THORACIC DYSPLASIA 2 WITHOUT POLYDACTYLY. Identifiers: Orphanet 474, MedGen C1970005, MONDO:0012644, OMIM 611263.
IFT80-related disorder. Also called: IFT80-related condition.

Allele frequency attached by ClinVar (database versions not stated): ExAC 0.00007; ESP Exome Variant Server 0.00008; gnomAD exomes 0.00008 and 0.00027; TOPMed 0.00010; gnomAD 0.00013 and 0.00014.
gnomAD v4.1: 411 of 1,611,952 alleles (0.025%); highest among the groups gnomAD compares: Non-Finnish European, 0.034%; no homozygotes.

Submissions (4):

Labcorp Genetics (formerly Invitae), Labcorp
Classification: Likely benign for Jeune thoracic dystrophy. Last evaluated: 2026-01-26. Review status: criteria provided, single submitter. Criteria: Invitae Variant Classification Sherloc (09022015). Collection method: clinical testing. Allele origin: germline.

Genome Diagnostics Laboratory, The Hospital for Sick Children
Classification: Uncertain significance for Connective tissue disorder. Last evaluated: 2020-09-30. Review status: criteria provided, single submitter. Criteria: ACMG Guidelines, 2015. Collection method: clinical testing. Allele origin: germline.

Illumina Laboratory Services, Illumina
Classification: Uncertain significance for Asphyxiating thoracic dystrophy 2. Last evaluated: 2018-01-13. Review status: criteria provided, single submitter. Criteria: ICSL Variant Classification Criteria 13 December 2019. Collection method: clinical testing. Allele origin: germline.

PreventionGenetics, part of Exact Sciences
Classification: Likely benign for IFT80-related condition. Last evaluated: 2020-02-05. Review status: no assertion criteria provided. Collection method: clinical testing. Allele origin: germline. Not counted in ClinVar's aggregate classification.
Comment: This variant is classified as likely benign based on ACMG/AMP sequence variant interpretation guidelines (Richards et al. 2015 PMID: 25741868, with internal and published modifications).